The following is an entry in ClinVar:

NM_001394372.1(BICRA):c.3077-2_3077del

Gene: BICRA (BRD4 interacting chromatin remodeling complex associated protein; plus strand). Cytogenetic location: 19q13.33.
Variant type: Deletion.
Coding change: c.3077-2_3077del on transcript NM_001394372.1 (MANE Select); the canonical splice acceptor site of the intron before coding-DNA position 3077 through coding-DNA position 3077, 3 bases deleted (AGG; older notation c.3077-2_3077delAGG).
Molecular consequence: splice acceptor variant.
Genome position (GRCh38, 1-based): chr19:47,695,363-47,695,365, AGG deleted. VCF-style (leftmost placement, unchanged base first): chr19-47695362-CAGG-C. GRCh37 (hg19) VCF-style: chr19-48198619-CAGG-C.
Other names: c.3077-2_3077del (NM_015711.3); c.3077-2_3077delAGG (NM_015711.3).
Identifiers: ClinVar variation 402903 (VCV000402903.4), dbSNP rs745483989, ClinGen allele CA9542095.

ClinVar aggregate classification (germline): Benign (1 of 4 stars; one submission).

Allele frequency attached by ClinVar (database versions not stated): ExAC 0.09707.

Submission:

Laboratory for Molecular Medicine, Mass General Brigham Personalized Medicine
Classification: Benign. Last evaluated: 2016-03-29. Review status: criteria provided, single submitter. Criteria: LMM Criteria. Collection method: clinical testing. Allele origin: germline.
Comment: Variant identified in a genome or exome case(s) and assessed due to predicted null impact of the variant or pathogenic assertions in the literature or databases. Disclaimer: This variant has not undergone full assessment. The following are preliminary notes: ExAC frequency